The following is an entry in ClinVar:

NM_016938.5(EFEMP2):c.923G>A (p.Arg308His)

Gene: EFEMP2 (EGF-like fibulin extracellular matrix protein 2; minus strand). Cytogenetic location: 11q13.1.
Variant type: single nucleotide variant.
Coding change: c.923G>A on transcript NM_016938.5 (MANE Select); coding-DNA position 923, G replaced by A.
Protein change: p.Arg308His; replaces arginine 308 with histidine.
Molecular consequence: missense variant. On other transcripts: non-coding transcript variant (1).
Genome position (GRCh38, 1-based): chr11:65,868,346, C>T on the plus strand (G>A on the coding strand, the complement: EFEMP2 is on the minus strand). VCF-style: chr11-65868346-C-T. GRCh37 (hg19) VCF-style: chr11-65635817-C-T.
Other names: short protein forms R308H.
Identifiers: ClinVar variation 1766295 (VCV001766295.6), dbSNP rs550977800, ClinGen allele CA224016864.

ClinVar aggregate classification (germline): Uncertain significance. Review status: criteria provided, multiple submitters, no conflicts (2 of 4 stars). 2 submissions from 2 submitters: Uncertain significance (2). Last evaluated 2025-03-09.

Conditions:
Cardiovascular phenotype. Identifiers: MedGen CN230736.
Cutis laxa, autosomal recessive, type 1B (ARCL1B). Also called: CUTIS LAXA, AUTOSOMAL RECESSIVE, TYPE IB; EFEMP2-Related Cutis Laxa. Identifiers: Orphanet 90349, MedGen C3280798, MONDO:0013754, OMIM 614437. Disease mechanism: loss of function.

Allele frequency attached by ClinVar (database versions not stated): gnomAD 0.00001; TOPMed 0.00001.

Submissions (2):

Ambry Genetics
Classification: Uncertain significance for Cardiovascular phenotype. Last evaluated: 2025-03-09. Review status: criteria provided, single submitter. Criteria: Ambry Variant Classification Scheme 2023. Collection method: clinical testing. Allele origin: germline.
Comment: The p.R308H variant (also known as c.923G>A), located in coding exon 8 of the EFEMP2 gene, results from a G to A substitution at nucleotide position 923. The arginine at codon 308 is replaced by histidine, an amino acid with highly similar properties. This amino acid position is conserved. In addition, the in silico prediction for this alteration is inconclusive. Since supporting evidence is limited at this time, the clinical significance of this alteration remains unclear.

Labcorp Genetics (formerly Invitae), Labcorp
Classification: Uncertain significance for Cutis laxa, autosomal recessive, type 1B. Last evaluated: 2022-07-22. Review status: criteria provided, single submitter. Criteria: Invitae Variant Classification Sherloc (09022015). Collection method: clinical testing. Allele origin: germline.
Comment: This sequence change replaces arginine, which is basic and polar, with histidine, which is basic and polar, at codon 308 of the EFEMP2 protein (p.Arg308His). In summary, the available evidence is currently insufficient to determine the role of this variant in disease. Therefore, it has been classified as a Variant of Uncertain Significance. Algorithms developed to predict the effect of missense changes on protein structure and function (SIFT, PolyPhen-2, Align-GVGD) all suggest that this variant is likely to be disruptive. This variant has not been reported in the literature in individuals affected with EFEMP2-related conditions. This variant is present in population databases (rs550977800, gnomAD 0.003%).